The following is an entry in ClinVar:

ClinVar aggregate classification (germline): Uncertain significance. Review status: criteria provided, multiple submitters, no conflicts (2 of 4 stars). 2 submissions from 2 submitters: Uncertain significance (2). Last evaluated 2025-05-25.

Conditions:
Inclusion body myopathy with early-onset Paget disease with or without frontotemporal dementia 2 (IBMPFD2). Also called: MULTISYSTEM PROTEINOPATHY 2. Identifiers: MedGen C3809468, MONDO:0014178, OMIM 615422.
Oculopharyngeal muscular dystrophy 2 (OPMD2). Identifiers: MedGen C5830682, MONDO:0958195, OMIM 620460.

Submissions (2):

Labcorp Genetics (formerly Invitae), Labcorp
Classification: Uncertain significance for Inclusion body myopathy with early-onset Paget disease with or without frontotemporal dementia 2. Last evaluated: 2025-05-25. Review status: criteria provided, single submitter. Criteria: Invitae Variant Classification Sherloc (09022015). Collection method: clinical testing. Allele origin: germline.
Comment: This variant, c.806_808del, is a complex sequence change that results in the deletion of 2 and insertion of 1 amino acid(s) in the HNRNPA2B1 protein (p.Tyr269_Gly270delinsCys). This variant is present in population databases (rs767834377, gnomAD 0.004%). This variant has not been reported in the literature in individuals affected with HNRNPA2B1-related conditions. ClinVar contains an entry for this variant (Variation ID: 3594491). Experimental studies and prediction algorithms are not available or were not evaluated, and the functional significance of this variant is currently unknown. In summary, the available evidence is currently insufficient to determine the role of this variant in disease. Therefore, it has been classified as a Variant of Uncertain Significance.

Fulgent Genetics
Classification: Uncertain significance for Inclusion body myopathy with early-onset Paget disease with or without frontotemporal dementia 2; Oculopharyngeal muscular dystrophy 2. Last evaluated: 2024-06-11. Review status: criteria provided, single submitter. Criteria: ACMG Guidelines, 2015. Collection method: clinical testing. Allele origin: germline.

NM_002137.4(HNRNPA2B1):c.770_772del (p.Tyr257_Gly258delinsCys)

Gene: HNRNPA2B1 (heterogeneous nuclear ribonucleoprotein A2/B1; minus strand). Cytogenetic location: 7p15.2.
Variant type: Deletion.
Coding change: c.770_772del on transcript NM_002137.4 (MANE Select); coding-DNA positions 770 to 772, 3 bases deleted (ATG; older notation c.770_772delATG).
Protein change: p.Tyr257_Gly258delinsCys.
Molecular consequence: inframe indel.
Genome position (GRCh38, 1-based): chr7:26,193,644-26,193,646, CAT deleted on the plus strand (ATG on the coding strand, the reverse complement: HNRNPA2B1 is on the minus strand). VCF-style (leftmost placement, unchanged base first): chr7-26193643-CCAT-C. GRCh37 (hg19) VCF-style: chr7-26233263-CCAT-C.
Other names: c.806_808delATG, p.Tyr269_Gly270delinsCys (NM_031243.4).
Identifiers: ClinVar variation 3594491 (VCV003594491.3).